The following is an entry in ClinVar:

NM_002485.5(NBN):c.224G>A (p.Gly75Asp)

Gene: NBN (nibrin; minus strand). Cytogenetic location: 8q21.3.
Variant type: single nucleotide variant.
Coding change: c.224G>A on transcript NM_002485.5 (MANE Select); coding-DNA position 224, G replaced by A.
Protein change: p.Gly75Asp; replaces glycine 75 with aspartic acid.
Molecular consequence: missense variant. On other transcripts: 5 prime UTR variant (1).
Genome position (GRCh38, 1-based): chr8:89,981,471, C>T on the plus strand (G>A on the coding strand, the complement: NBN is on the minus strand). VCF-style: chr8-89981471-C-T. GRCh37 (hg19) VCF-style: chr8-90993699-C-T.
Other names: c.-23G>A (NM_001024688.3); short protein forms G75D.
Identifiers: ClinVar variation 3222429 (VCV003222429.1), dbSNP rs587782179, ClinGen allele CA371662533.

ClinVar aggregate classification (germline): Uncertain significance (1 of 4 stars; one submission).

Conditions:
Hereditary cancer-predisposing syndrome. Also called: Tumor predisposition; Hereditary neoplastic syndrome; Hereditary Cancer Syndrome; Neoplastic Syndromes, Hereditary. Identifiers: Orphanet 140162, MedGen C0027672, MeSH D009386, MONDO:0015356.

gnomAD v4.1: 2 of 1,613,456 alleles (0.00012%); highest among the groups gnomAD compares: African/African-American, 0.0027%; no homozygotes.

Submission:

Ambry Genetics
Classification: Uncertain significance for Hereditary cancer-predisposing syndrome. Last evaluated: 2024-01-23. Review status: criteria provided, single submitter. Criteria: Ambry Variant Classification Scheme 2023. Collection method: clinical testing. Allele origin: germline.
Comment: The p.G75D variant (also known as c.224G>A), located in coding exon 3 of the NBN gene, results from a G to A substitution at nucleotide position 224. The glycine at codon 75 is replaced by aspartic acid, an amino acid with similar properties. This amino acid position is highly conserved in available vertebrate species. In addition, this alteration is predicted to be deleterious by in silico analysis. Based on the available evidence, the clinical significance of this alteration remains unclear.